The following is an entry in ClinVar:

NM_001142800.2(EYS):c.1802_1805del (p.Cys601fs)

Gene: EYS (EGF-like photoreceptor maintenance factor; minus strand). Cytogenetic location: 6q12.
Variant type: Microsatellite.
Coding change: c.1802_1805del on transcript NM_001142800.2 (MANE Select); coding-DNA positions 1802 to 1805, 4 bases deleted (GTGT; older notation c.1802_1805delGTGT).
Protein change: p.Cys601fs; shifts the reading frame from cysteine 601.
Molecular consequence: frameshift variant.
Genome position (GRCh38, 1-based): chr6:65,296,081-65,296,084, ACAC deleted on the plus strand (GTGT on the coding strand, the reverse complement: EYS is on the minus strand); deleting any 4 consecutive bases within chr6:65,296,081-65,296,087 gives the same sequence; the c. name uses the placement nearest the transcript's 3' end. VCF-style (leftmost placement, unchanged base first): chr6-65296080-AACAC-A. GRCh37 (hg19) VCF-style: chr6-66005973-AACAC-A.
Other names: c.1802_1805del, p.Cys601fs (NM_001292009.2); short protein forms C601fs.
Identifiers: ClinVar variation 1994337 (VCV001994337.4), dbSNP rs2533013338, ClinGen allele CA2580617286.

ClinVar aggregate classification (germline): Pathogenic (1 of 4 stars; one submission).

Submission:

Labcorp Genetics (formerly Invitae), Labcorp
Classification: Pathogenic. Last evaluated: 2022-05-22. Review status: criteria provided, single submitter. Criteria: Invitae Variant Classification Sherloc (09022015). Collection method: clinical testing. Allele origin: germline.
Comment: For these reasons, this variant has been classified as Pathogenic. This variant has not been reported in the literature in individuals affected with EYS-related conditions. This variant is not present in population databases (gnomAD no frequency). This sequence change creates a premature translational stop signal (p.Cys601Leufs*8) in the EYS gene. It is expected to result in an absent or disrupted protein product. Loss-of-function variants in EYS are known to be pathogenic (PMID: 18836446, 20333770).

Literature cited by the submitters: PubMed 18836446; PubMed 20333770.